The following is an entry in ClinVar:

ClinVar aggregate classification (germline): Likely benign. Review status: criteria provided, multiple submitters, no conflicts (2 of 4 stars). 2 submissions from 2 submitters: Likely benign (2). Last evaluated 2023-12-11.

Conditions:
Cardiovascular phenotype. Identifiers: MedGen CN230736.

Submissions (2):

Ambry Genetics
Classification: Likely benign for Cardiovascular phenotype. Last evaluated: 2023-12-11. Review status: criteria provided, single submitter. Criteria: Ambry Variant Classification Scheme 2023. Collection method: clinical testing. Allele origin: germline.

Laboratory for Molecular Medicine, Mass General Brigham Personalized Medicine
Classification: Likely benign. Last evaluated: 2012-12-21. Review status: criteria provided, single submitter. Criteria: LMM Criteria. Collection method: clinical testing. Allele origin: germline. Observed: 1 variant allele.
Comment: Pro12112Pro in exon 187 of TTN: This variant is not expected to have clinical si gnificance because it does not alter an amino acid residue and is not located wi thin the splice consensus sequence. Pro12112Pro in exon 187 of TTN (allele freq uency = n/a)

NM_001267550.2(TTN):c.44040C>A (p.Pro14680=)

Gene: TTN (titin; minus strand). Cytogenetic location: 2q31.2.
Variant type: single nucleotide variant.
Coding change: c.44040C>A on transcript NM_001267550.2 (MANE Select); coding-DNA position 44040, C replaced by A.
Protein change: p.Pro14680=; no amino-acid change (proline 14680 retained).
Molecular consequence: synonymous variant.
Genome position (GRCh38, 1-based): chr2:178,630,918, G>T on the plus strand (C>A on the coding strand, the complement: TTN is on the minus strand). VCF-style: chr2-178630918-G-T. GRCh37 (hg19) VCF-style: chr2-179495645-G-T.
Other names: c.36336C>A, p.Pro12112= (NM_133378.4); c.39117C>A, p.Pro13039= (NM_001256850.1); c.16845C>A, p.Pro5615= (NM_003319.4); c.17220C>A, p.Pro5740= (NM_133432.3); c.17421C>A, p.Pro5807= (NM_133437.4).
Identifiers: ClinVar variation 46975 (VCV000046975.6), dbSNP rs397517575, ClinGen allele CA139678.